The following is an entry in ClinVar:

NM_025144.4(ALPK1):c.794T>C (p.Leu265Ser)

Gene: ALPK1 (alpha kinase 1; plus strand). Cytogenetic location: 4q25.
Variant type: single nucleotide variant.
Coding change: c.794T>C on transcript NM_025144.4 (MANE Select); coding-DNA position 794, T replaced by C.
Protein change: p.Leu265Ser; replaces leucine 265 with serine.
Molecular consequence: missense variant.
Genome position (GRCh38, 1-based): chr4:112,427,664, T>C. VCF-style: chr4-112427664-T-C. GRCh37 (hg19) VCF-style: chr4-113348820-T-C.
Other names: c.794T>C, p.Leu265Ser (NM_001102406.2); c.560T>C, p.Leu187Ser (NM_001253884.2); short protein forms L265S, L187S.
Identifiers: ClinVar variation 3656875 (VCV003656875.3).
Genomic context (GRCh38, chr4:112,427,664, plus strand): 5'-TCTTTGTTTCCATGAGCAAGAACGATTATGAAAAGTTTAAAAACAATCCACAAATTAATT[T>C]GGTAATTATCATAACACTGAGTGGCATCACCTGTAAAATTGTCAATCGTGTCCTTGGTGG-3'
Protein context (NP_079420.3, residues 255-275): EKFKNNPQIN[Leu265Ser]SLLKEFDHHL

ClinVar aggregate classification (germline): Uncertain significance. Review status: criteria provided, multiple submitters, no conflicts (2 of 4 stars). 2 submissions from 2 submitters: Uncertain significance (2). Last evaluated 2025-02-11.

gnomAD v4.1: 3 of 1,606,152 alleles (0.00019%); highest among the groups gnomAD compares: Non-Finnish European, 0.00017%; no homozygotes.

Submissions (2):

Centre for Clinical Genetics and Genomic Diagnostics, Zealand University Hospital
Classification: Uncertain significance. Last evaluated: 2025-02-11. Review status: criteria provided, single submitter. Criteria: ACMG Guidelines, 2015. Collection method: clinical testing. Allele origin: germline.

Labcorp Genetics (formerly Invitae), Labcorp
Classification: Uncertain significance. Last evaluated: 2024-07-15. Review status: criteria provided, single submitter. Criteria: Invitae Variant Classification Sherloc (09022015). Collection method: clinical testing. Allele origin: germline.
Comment: This sequence change replaces leucine, which is neutral and non-polar, with serine, which is neutral and polar, at codon 265 of the ALPK1 protein (p.Leu265Ser). This variant is not present in population databases (gnomAD no frequency). This variant has not been reported in the literature in individuals affected with ALPK1-related conditions. An algorithm developed to predict the effect of missense changes on protein structure and function (PolyPhen-2) suggests that this variant is likely to be disruptive. In summary, the available evidence is currently insufficient to determine the role of this variant in disease. Therefore, it has been classified as a Variant of Uncertain Significance.